The following is an entry in ClinVar:

NM_000535.7(PMS2):c.547A>G (p.Lys183Glu)

Gene: PMS2 (PMS1 homolog 2, mismatch repair system component; minus strand). Cytogenetic location: 7p22.1.
Variant type: single nucleotide variant.
Coding change: c.547A>G on transcript NM_000535.7 (MANE Select); coding-DNA position 547, A replaced by G.
Protein change: p.Lys183Glu; replaces lysine 183 with glutamic acid.
Molecular consequence: missense variant. On other transcripts: non-coding transcript variant (1), intron variant (9).
Genome position (GRCh38, 1-based): chr7:5,999,266, T>C on the plus strand (A>G on the coding strand, the complement: PMS2 is on the minus strand). VCF-style: chr7-5999266-T-C. GRCh37 (hg19) VCF-style: chr7-6038897-T-C.
Other names: c.547A>G, p.Lys183Glu (NM_001322014.2, NM_001406869.1, NM_001406870.1 and 5 more transcripts); c.238A>G, p.Lys80Glu (NM_001322015.2, NM_001406875.1, NM_001406877.1 and 6 more transcripts); c.733A>G, p.Lys245Glu (NM_001406866.1); c.571A>G, p.Lys191Glu (NM_001406868.1); c.142A>G, p.Lys48Glu (NM_001322005.2, NM_001322009.2, NM_001322010.2 and 21 more transcripts); c.229A>G, p.Lys77Glu (NM_001322007.2, NM_001322008.2, NM_001406876.1 and 4 more transcripts); c.132+3187A>G (NM_001406911.1); c.133-1843A>G (NM_001322013.2, NM_001406909.1); and 4 more; short protein forms K191E, K245E, K80E, K183E, K48E, K77E.
Identifiers: ClinVar variation 5026942 (VCV005026942.1).

ClinVar aggregate classification (germline): Uncertain significance (1 of 4 stars; one submission).

Conditions:
Hereditary cancer-predisposing syndrome. Also called: Neoplastic Syndromes, Hereditary; Tumor predisposition; Hereditary neoplastic syndrome; Hereditary Cancer Syndrome. Identifiers: Orphanet 140162, MedGen C0027672, MeSH D009386, MONDO:0015356.

Submission:

Ambry Genetics
Classification: Uncertain significance for Hereditary cancer-predisposing syndrome. Last evaluated: 2026-09-05. Review status: criteria provided, single submitter. Criteria: Ambry Variant Classification Scheme 2023. Collection method: clinical testing. Allele origin: germline.
Comment: The p.K183E variant (also known as c.547A>G), located in coding exon 6 of the PMS2 gene, results from an A to G substitution at nucleotide position 547. The lysine at codon 183 is replaced by glutamic acid, an amino acid with similar properties. This amino acid position is conserved. In addition, this alteration is predicted to be deleterious by in silico analysis. Based on the available evidence, the clinical significance of this variant remains unclear.